The following is an entry in ClinVar:

ClinVar aggregate classification (germline): Uncertain significance. Review status: criteria provided, multiple submitters, no conflicts (2 of 4 stars). 2 submissions from 2 submitters: Uncertain significance (2). Last evaluated 2024-06-06.

Conditions:
Polyglandular autoimmune syndrome, type 1 (APS1). Also called: AUTOIMMUNE POLYENDOCRINE SYNDROME, TYPE I, WITH OR WITHOUT REVERSIBLE METAPHYSEAL DYSPLASIA; PGA I; Whitaker syndrome; Autoimmune polyendocrine syndrome type 1; APS I; HYPOADRENOCORTICISM WITH HYPOPARATHYROIDISM AND SUPERFICIAL MONILIASIS. Identifiers: Orphanet 3453, MedGen C0085859, MONDO:0009411, OMIM 240300.

gnomAD v4.1: 3 of 1,612,714 alleles (0.00019%); highest among the groups gnomAD compares: South Asian, 0.0033%; no homozygotes.

Submissions (2):

Labcorp Genetics (formerly Invitae), Labcorp
Classification: Uncertain significance for Polyglandular autoimmune syndrome, type 1. Last evaluated: 2024-06-06. Review status: criteria provided, single submitter. Criteria: Invitae Variant Classification Sherloc (09022015). Collection method: clinical testing. Allele origin: germline.
Comment: This sequence change falls in intron 2 of the AIRE gene. It does not directly change the encoded amino acid sequence of the AIRE protein. It affects a nucleotide within the consensus splice site. This variant is not present in population databases (gnomAD no frequency). This variant has not been reported in the literature in individuals affected with AIRE-related conditions. Variants that disrupt the consensus splice site are a relatively common cause of aberrant splicing (PMID: 17576681, 9536098). Algorithms developed to predict the effect of sequence changes on RNA splicing suggest that this variant is not likely to affect RNA splicing. In summary, the available evidence is currently insufficient to determine the role of this variant in disease. Therefore, it has been classified as a Variant of Uncertain Significance.

Blueprint Genetics
Classification: Uncertain significance. Last evaluated: 2018-03-14. Review status: criteria provided, single submitter. Criteria: ACMG Guidelines, 2015. Collection method: clinical testing. Allele origin: germline.

Literature cited by the submitters: PubMed 17576681 (cited by Labcorp Genetics (formerly Invitae), Labcorp); PubMed 9536098 (cited by Labcorp Genetics (formerly Invitae), Labcorp).

NM_000383.4(AIRE):c.307+4G>A

Gene: AIRE (autoimmune regulator; plus strand). Cytogenetic location: 21q22.3.
Variant type: single nucleotide variant.
Coding change: c.307+4G>A on transcript NM_000383.4 (MANE Select); 4 bases into the intron after coding-DNA position 307, G replaced by A.
Molecular consequence: intron variant.
Genome position (GRCh38, 1-based): chr21:44,286,735, G>A. VCF-style: chr21-44286735-G-A. GRCh37 (hg19) VCF-style: chr21-45706618-G-A.
Identifiers: ClinVar variation 3719939 (VCV003719939.3).